The following is an entry in ClinVar:

NM_133379.5(TTN):c.16393C>T (p.Arg5465Trp)

Gene: TTN (titin; minus strand). Cytogenetic location: 2q31.2.
Variant type: single nucleotide variant.
Coding change: c.16393C>T on transcript NM_133379.5; coding-DNA position 16393, C replaced by T.
Protein change: p.Arg5465Trp; replaces arginine 5465 with tryptophan.
Molecular consequence: missense variant. On other transcripts: intron variant (6).
Genome position (GRCh38, 1-based): chr2:178,746,007, G>A on the plus strand (C>T on the coding strand, the complement: TTN is on the minus strand). VCF-style: chr2-178746007-G-A. GRCh37 (hg19) VCF-style: chr2-179610734-G-A.
Other names: p.R5465W:CGG>TGG; c.10223-4086C>T (NM_003319.4); c.10799-4086C>T (NM_133437.4); c.10598-4086C>T (NM_133432.3); c.10360+7117C>T (NM_133378.4); c.10361-4086C>T (NM_001256850.1); c.11312-4086C>T (NM_001267550.2); c.16393C>T (NM_133379.4); short protein forms R5465W.
Identifiers: ClinVar variation 203217 (VCV000203217.4), dbSNP rs794729599, ClinGen allele CA311710.

ClinVar aggregate classification (germline): Conflicting classifications of pathogenicity. Review status: criteria provided, conflicting classifications (1 of 4 stars). 3 submissions from 3 submitters: Uncertain significance (1); Likely benign (2). Last evaluated 2025-04-09.

Allele frequency attached by ClinVar (database versions not stated): gnomAD 0.00001; gnomAD exomes 0.00001; TOPMed 0.00006.
gnomAD v4.1: 24 of 1,613,020 alleles (0.0015%); highest among the groups gnomAD compares: Middle Eastern, 0.016%; no homozygotes.

Submissions (3):

Molecular Diagnostic Laboratory for Inherited Cardiovascular Disease, Montreal Heart Institute
Classification: Likely benign. Last evaluated: 2025-04-09. Review status: criteria provided, single submitter. Criteria: ACMG Guidelines, 2015. Collection method: clinical testing. Allele origin: germline. Affected: no.

Blueprint Genetics
Classification: Likely benign. Last evaluated: 2024-10-22. Review status: criteria provided, single submitter. Criteria: ACMG Guidelines, 2015. Collection method: clinical testing. Allele origin: germline.

GeneDx
Classification: Uncertain significance. Last evaluated: 2014-07-29. Review status: criteria provided, single submitter. Criteria: GeneDx Variant Classification (06012015). Collection method: clinical testing. Allele origin: germline. Affected: yes.
Comment: Missense variants in the TTN gene are considered 'unclassified' if they are not previously reported in the literature and do not have >1% frequency in the population to be considered a polymorphism. Research indicates that truncating mutations in the TTN gene are expected to account for approximately 25% of familial and 18% of sporadic idiopathic DCM; however, truncating variants in the TTN gene have been reported in approximately 3% of reported control alleles. There has been little investigation into non-truncating variants. (Herman D et al. Truncations of titin causing dilated cardiomyopathy. N Eng J Med 366:619-628, 2012) The variant is found in DCM-CRDM panel(s).